The following is an entry in ClinVar:

ClinVar aggregate classification (germline): Pathogenic. Review status: criteria provided, multiple submitters, no conflicts (2 of 4 stars). 12 submissions from 12 submitters: Pathogenic (10). 2 of the submissions do not count toward it. Last evaluated 2025-06-17.

Conditions:
PEX7-related disorder. Also called: PEX7-related disorders; PEX7-related condition. Identifiers: MedGen CN239409.
Rhizomelic chondrodysplasia punctata (RCDP). Identifiers: Orphanet 177, MedGen C0282529, MONDO:0015776. Disease mechanism: loss of function.
Rhizomelic chondrodysplasia punctata type 1 (RCDP1). Also called: CHONDRODYSTROPHIA CALCIFICANS PUNCTATA; PEROXISOME BIOGENESIS DISORDER 9; PEX7-Related Rhizomelic Chondrodysplasia Punctata. Identifiers: Orphanet 177, Orphanet 309789, MedGen C1859133, MONDO:0008972, OMIM 215100. Disease mechanism: loss of function.
Peroxisome biogenesis disorder 9B. Also called: PEROXISOME BIOGENESIS DISORDER, PEX7-RELATED, ATYPICAL; Refsum disease, adult, 2; PEX7-Related Refsum Disease. Identifiers: Orphanet 773, MedGen C2749346, MONDO:0013945, OMIM 614879.

Allele frequency attached by ClinVar (database versions not stated): TOPMed below 0.00001; ExAC 0.00001; gnomAD exomes below 0.00001.

Submissions (12):

Labcorp Genetics (formerly Invitae), Labcorp
Classification: Pathogenic for Peroxisome biogenesis disorder 9B. Last evaluated: 2025-06-17. Review status: criteria provided, single submitter. Criteria: Invitae Variant Classification Sherloc (09022015). Collection method: clinical testing. Allele origin: germline.
Comment: This sequence change creates a premature translational stop signal (p.Arg232*) in the PEX7 gene. It is expected to result in an absent or disrupted protein product. Loss-of-function variants in PEX7 are known to be pathogenic (PMID: 12325024, 12522768, 20301447). This variant is present in population databases (rs121909153, gnomAD 0.003%). This premature translational stop signal has been observed in individual(s) with rhizomelic chondrodysplasia punctata (PMID: 10083738, 26587300). ClinVar contains an entry for this variant (Variation ID: 7783). Algorithms developed to predict the effect of sequence changes on RNA splicing suggest that this variant may disrupt the consensus splice site. For these reasons, this variant has been classified as Pathogenic.

Revvity Omics, Revvity
Classification: Pathogenic. Last evaluated: 2025-06-12. Review status: criteria provided, single submitter. Criteria: ACMG Guidelines, 2015. Collection method: clinical testing. Allele origin: germline.

Natera, Inc.
Classification: Pathogenic for Rhizomelic Chondrodysplasia Punctata. Last evaluated: 2024-09-10. Review status: criteria provided, single submitter. Criteria: Natera Variant Classification Schema (03/2026). Collection method: clinical testing. Allele origin: germline.
Comment: The c.694C>T variant in PEX7 is a nonsense variant predicted to introduce a stop codon at amino acid 232. This variant is expected to result in nonsense mediated decay, truncation, or a dysfunctional protein product. This variant is rare in the general population with a frequency below the threshold expected for the associated phenotype(s). This variant has been observed in one or more individuals affected with the associated recessive disease, as either homozygous or compound heterozygous with a second variant (PMID: 10083738, 26587300). Given the available evidence, this variant is classified as Pathogenic.

Laboratory of Medical Genetics, National & Kapodistrian University of Athens
Classification: Pathogenic for Peroxisome biogenesis disorder 9B. Last evaluated: 2024-02-01. Review status: criteria provided, single submitter. Criteria: ACMG Guidelines, 2015. Collection method: curation. Allele origin: germline. Affected: no.

Blueprint Genetics
Classification: Pathogenic for PEX7-related disorders. Last evaluated: 2024-01-26. Review status: criteria provided, single submitter. Criteria: ACMG Guidelines, 2015. Collection method: clinical testing. Allele origin: germline. Affected: yes. Observed: 5 variant alleles.

Baylor Genetics
Classification: Pathogenic for Peroxisome biogenesis disorder 9B. Last evaluated: 2023-10-18. Review status: criteria provided, single submitter. Criteria: ACMG Guidelines, 2015. Collection method: clinical testing. Allele origin: unknown.

GeneDx
Classification: Pathogenic. Last evaluated: 2021-02-08. Review status: criteria provided, single submitter. Criteria: GeneDx Variant Classification Process June 2021. Collection method: clinical testing. Allele origin: germline. Affected: yes.
Comment: Nonsense variant predicted to result in protein truncation or nonsense mediated decay in a gene for which loss-of-function is a known mechanism of disease; Not observed at a significant frequency in large population cohorts (Lek et al., 2016); This variant is associated with the following publications: (PMID: 10083738, 21465523, 11781871, 12325024, 25525159, 26587300)

Centre for Mendelian Genomics, University Medical Centre Ljubljana
Classification: Pathogenic for Peroxisome biogenesis disorder 9B. Last evaluated: 2019-06-22. Review status: criteria provided, single submitter. Criteria: ACMG Guidelines, 2015. Collection method: clinical testing. Allele origin: unknown. Affected: yes.
Comment: This variant was classified as: Pathogenic. The following ACMG criteria were applied in classifying this variant: PVS1,PM2,PP3,PP5.

Women's Health and Genetics/Laboratory Corporation of America, LabCorp
Classification: Pathogenic for Rhizomelic chondrodysplasia punctata type 1. Last evaluated: 2018-01-18. Review status: criteria provided, single submitter. Criteria: LabCorp Variant Classification Summary - May 2015. Collection method: clinical testing. Allele origin: germline.
Comment: Variant summary: The PEX7 c.694C>T (p.Arg232X) variant results in a premature termination codon, predicted to cause a truncated or absent PEX7 protein due to nonsense mediated decay, which are commonly known mechanisms for disease. A truncation downstream of this position, c.875T>A (p.Leu292X) has been classified as pathogenic by our laboratory. This variant was found in 1/246228 control chromosomes (gnomAD) at a frequency of 0.0000041, which does not exceed the estimated maximal expected allele frequency of a pathogenic PEX7 variant (0.0018708). Multiple publications have cited the variant in affected compound heterozygote and homozygote RCDP1 patients. In addition, multiple clinical diagnostic laboratories/reputable databases classified this variant as pathogenic. Taken together, this variant is classified as pathogenic.

Juno Genomics, Hangzhou Juno Genomics, Inc
Classification: Pathogenic for Peroxisome biogenesis disorder 9B; Rhizomelic chondrodysplasia punctata type 1. Review status: criteria provided, single submitter. Criteria: ACMG Guidelines, 2015. Collection method: clinical testing. Allele origin: germline.
Comment: Absent from controls (or at extremely low frequency if recessive) in Genome Aggregation Database.;Null variant in a gene where loss of function (LOF) is a known mechanism of disease.;For recessive disorders, detected in trans with a pathogenic variant.;Patient's phenotype or family history is highly specific for a disease with a single genetic etiology.

Counsyl
Classification: Likely pathogenic for Rhizomelic chondrodysplasia punctata type 1. Last evaluated: 2016-01-27. Review status: no assertion criteria provided. Collection method: clinical testing. Allele origin: unknown. Not counted in ClinVar's aggregate classification.

OMIM
Classification: Pathogenic for RHIZOMELIC CHONDRODYSPLASIA PUNCTATA, TYPE 1. Last evaluated: 1999-01-01. Review status: no assertion criteria provided. Collection method: literature only. Allele origin: germline. Not counted in ClinVar's aggregate classification.

Literature cited by the submitters: PubMed 12325024 (cited by Labcorp Genetics (formerly Invitae), Labcorp); PubMed 12522768 (cited by Labcorp Genetics (formerly Invitae), Labcorp); PubMed 20301447 (cited by Labcorp Genetics (formerly Invitae), Labcorp); PubMed 10083738 (cited by 5 submitters); PubMed 26587300 (cited by 4 submitters); PubMed 11781871 (cited by Women's Health and Genetics/Laboratory Corporation of America, LabCorp); PubMed 21465523 (cited by Counsyl); PubMed 8295403 (cited by OMIM).

NM_000288.4(PEX7):c.694C>T (p.Arg232Ter)

Gene: PEX7 (peroxisomal biogenesis factor 7; plus strand). Cytogenetic location: 6q23.3.
Variant type: single nucleotide variant.
Coding change: c.694C>T on transcript NM_000288.4 (MANE Select); coding-DNA position 694, C replaced by T.
Protein change: p.Arg232Ter; replaces arginine 232 with a stop codon.
Molecular consequence: nonsense.
Genome position (GRCh38, 1-based): chr6:136,869,950, C>T. VCF-style: chr6-136869950-C-T. GRCh37 (hg19) VCF-style: chr6-137191088-C-T.
Other names: short protein forms R232*.
Identifiers: ClinVar variation 7783 (VCV000007783.25), dbSNP rs121909153, ClinGen allele CA254243.